The following is an entry in ClinVar:

ClinVar aggregate classification (germline): Uncertain significance (1 of 4 stars; one submission).

Allele frequency attached by ClinVar (database versions not stated): gnomAD exomes below 0.00001; ExAC 0.00001.
gnomAD v4.1: 2 of 1,614,148 alleles (0.00012%); no homozygotes.

Submission:

Labcorp Genetics (formerly Invitae), Labcorp
Classification: Uncertain significance. Last evaluated: 2022-03-22. Review status: criteria provided, single submitter. Criteria: Invitae Variant Classification Sherloc (09022015). Collection method: clinical testing. Allele origin: germline.
Comment: In summary, the available evidence is currently insufficient to determine the role of this variant in disease. Therefore, it has been classified as a Variant of Uncertain Significance. Algorithms developed to predict the effect of missense changes on protein structure and function are either unavailable or do not agree on the potential impact of this missense change (SIFT: "Not Available"; PolyPhen-2: "Benign"; Align-GVGD: "Not Available"). This variant has not been reported in the literature in individuals affected with VPS13D-related conditions. This variant is present in population databases (rs755212287, gnomAD 0.003%). This sequence change replaces phenylalanine, which is neutral and non-polar, with serine, which is neutral and polar, at codon 622 of the VPS13D protein (p.Phe622Ser).

NM_015378.4(VPS13D):c.1865T>C (p.Phe622Ser)

Gene: VPS13D (vacuolar protein sorting 13 homolog D; plus strand). Cytogenetic location: 1p36.22.
Variant type: single nucleotide variant.
Coding change: c.1865T>C on transcript NM_015378.4 (MANE Select); coding-DNA position 1865, T replaced by C.
Protein change: p.Phe622Ser; replaces phenylalanine 622 with serine.
Molecular consequence: missense variant.
Genome position (GRCh38, 1-based): chr1:12,268,769, T>C. VCF-style: chr1-12268769-T-C. GRCh37 (hg19) VCF-style: chr1-12328826-T-C.
Other names: c.1865T>C, p.Phe622Ser (NM_018156.4); short protein forms F622S.
Identifiers: ClinVar variation 1355198 (VCV001355198.8), dbSNP rs755212287, ClinGen allele CA601667.